The following is an entry in ClinVar:

NM_003051.4(SLC16A1):c.983G>A (p.Arg328Gln)

Gene: SLC16A1 (solute carrier family 16 member 1; minus strand). Cytogenetic location: 1p13.2.
Variant type: single nucleotide variant.
Coding change: c.983G>A on transcript NM_003051.4 (MANE Select); coding-DNA position 983, G replaced by A.
Protein change: p.Arg328Gln; replaces arginine 328 with glutamine.
Molecular consequence: missense variant.
Genome position (GRCh38, 1-based): chr1:112,917,423, C>T on the plus strand (G>A on the coding strand, the complement: SLC16A1 is on the minus strand). VCF-style: chr1-112917423-C-T. GRCh37 (hg19) VCF-style: chr1-113460045-C-T.
Other names: c.983G>A, p.Arg328Gln (NM_001166496.2); short protein forms R328Q.
Identifiers: ClinVar variation 1303293 (VCV001303293.4), dbSNP rs774823539, ClinGen allele CA1011351.
Genomic context (GRCh38, chr1:112,917,423, plus strand): 5'-GGTGCTAGCATATGACACACTCCATTTGCAACAACGGAAGCCGCAAAGAAATACTGAATT[C>T]GAGGTCTTATTGGCTTTGTGTTGGCTACAAGTCCCATAGATGGTCGGGCTACCATGTCAA-3'
Protein context (NP_003042.3, residues 318-338): LVANTKPIRP[Arg328Gln]IQYFFAASVV

ClinVar aggregate classification (germline): Uncertain significance. Review status: criteria provided, multiple submitters, no conflicts (2 of 4 stars). 2 submissions from 2 submitters: Uncertain significance (2). Last evaluated 2025-12-16.

Allele frequency attached by ClinVar (database versions not stated): ExAC 0.00002; gnomAD exomes 0.00003; TOPMed 0.00003.
gnomAD v4.1: 28 of 1,614,162 alleles (0.0017%); highest among the groups gnomAD compares: Admixed American, 0.01%; no homozygotes.

Submissions (2):

Labcorp Genetics (formerly Invitae), Labcorp
Classification: Uncertain significance. Last evaluated: 2025-12-16. Review status: criteria provided, single submitter. Criteria: Invitae Variant Classification Sherloc (09022015). Collection method: clinical testing. Allele origin: germline.
Comment: This sequence change replaces arginine, which is basic and polar, with glutamine, which is neutral and polar, at codon 328 of the SLC16A1 protein (p.Arg328Gln). This variant is present in population databases (rs774823539, gnomAD 0.009%). This variant has not been reported in the literature in individuals affected with SLC16A1-related conditions. ClinVar contains an entry for this variant (Variation ID: 1303293). An algorithm developed to predict the effect of missense changes on protein structure and function (PolyPhen-2) suggests that this variant is likely to be tolerated. In summary, the available evidence is currently insufficient to determine the role of this variant in disease. Therefore, it has been classified as a Variant of Uncertain Significance.

GeneDx
Classification: Uncertain significance. Last evaluated: 2019-08-14. Review status: criteria provided, single submitter. Criteria: GeneDx Variant Classification Process June 2021. Collection method: clinical testing. Allele origin: germline. Affected: yes.
Comment: In silico analysis, which includes protein predictors and evolutionary conservation, supports that this variant does not alter protein structure/function; Has not been previously published as pathogenic or benign to our knowledge